The following is an entry in ClinVar:

NM_007294.4(BRCA1):c.3044dup (p.Asn1016fs)

Gene: BRCA1 (BRCA1 DNA repair associated; minus strand). Cytogenetic location: 17q21.31.
Variant type: Duplication.
Coding change: c.3044dup on transcript NM_007294.4 (MANE Select); coding-DNA position 3044, one base duplicated (G; older notation c.3044dupG).
Protein change: p.Asn1016fs; shifts the reading frame from asparagine 1016.
Molecular consequence: frameshift variant. On other transcripts: intron variant (137).
Genome position (GRCh38, 1-based): chr17:43,092,487, C duplicated on the plus strand (G on the coding strand, the reverse complement: BRCA1 is on the minus strand); the first of 3 consecutive C bases (chr17:43,092,487-43,092,489); duplicating any one gives the same sequence. VCF-style (leftmost placement, unchanged base first): chr17-43092486-T-TC. GRCh37 (hg19) VCF-style: chr17-41244503-T-TC.
Other names: 3163insG; c.3044dupG (NM_007294.3); c.3041dup, p.Asn1015fs (NM_001407630.1, NM_001407631.1, NM_001407632.1 and 22 more transcripts); c.3035dup, p.Asn1013fs (NM_001407646.1, NM_001407647.1); c.2921dup, p.Asn975fs (NM_001407648.1, NM_001407664.1, NM_001407665.1 and 19 more transcripts); c.2918dup, p.Asn974fs (NM_001407649.1, NM_001407670.1, NM_001407671.1 and 11 more transcripts); c.3044dup, p.Asn1016fs (NM_001407652.1, NM_001407684.1, NM_001407854.1 and 30 more transcripts); c.2966dup, p.Asn990fs (NM_001407653.1, NM_001407654.1, NM_001407655.1 and 4 more transcripts); and 43 more; short protein forms N969fs, N1016fs, N1013fs, N1015fs, N904fs, N905fs, N927fs, N928fs.
Identifiers: ClinVar variation 125601 (VCV000125601.22), dbSNP rs80357746, ClinGen allele CA002001.

ClinVar aggregate classification (germline): Pathogenic. Review status: reviewed by expert panel (3 of 4 stars). 8 submissions from 8 submitters: Pathogenic (1). 7 of the submissions do not count toward it. Last evaluated 2016-09-08.

Conditions:
Familial cancer of breast. Also called: Hereditary breast cancer; hereditary breast carcinoma; BREAST CANCER, FAMILIAL. Identifiers: Orphanet 227535, MedGen C0346153, MONDO:0016419, OMIM 114480. Disease mechanism: loss of function.
Breast-ovarian cancer, familial, susceptibility to, 1 (BROVCA1). Also called: BRCA1 Hereditary Breast and Ovarian Cancer; OVARIAN CANCER, SUSCEPTIBILITY TO. Identifiers: Orphanet 145, MedGen C2676676, MONDO:0011450, OMIM 604370. Disease mechanism: loss of function.
Fanconi anemia, complementation group S (FANCS). Identifiers: MedGen C4554406, MONDO:0054748, OMIM 617883.
Hereditary cancer-predisposing syndrome. Also called: Tumor predisposition; Hereditary neoplastic syndrome; Hereditary Cancer Syndrome; Neoplastic Syndromes, Hereditary. Identifiers: Orphanet 140162, MedGen C0027672, MeSH D009386, MONDO:0015356.
Hereditary breast ovarian cancer syndrome. Also called: Hereditary breast and/or ovarian cancer syndrome; Breast and ovarian cancer; Hereditary breast and ovarian cancer syndrome; Hereditary breast and ovarian cancer; Hereditary breast and ovarian cancer syndrome (HBOC); BRCA1- and BRCA2-Associated Hereditary Breast and Ovarian Cancer. Identifiers: Orphanet 145, MedGen C0677776, MeSH D061325, MONDO:0003582. Disease mechanism: loss of function.

Submissions (8):

Evidence-based Network for the Interpretation of Germline Mutant Alleles (ENIGMA)
Classification: Pathogenic for Breast-ovarian cancer, familial, susceptibility to, 1. Last evaluated: 2016-09-08. Review status: reviewed by expert panel. Criteria: ENIGMA BRCA1/2 Classification Criteria (2015). Collection method: curation. Allele origin: germline.
Comment: Variant allele predicted to encode a truncated non-functional protein.

Ambry Genetics
Classification: Pathogenic for Hereditary cancer-predisposing syndrome. Last evaluated: 2025-12-03. Review status: criteria provided, single submitter. Criteria: Ambry Variant Classification Scheme 2023. Collection method: clinical testing. Allele origin: germline. Not counted in ClinVar's aggregate classification.
Comment: The c.3044dupG pathogenic mutation, located in coding exon 9 of the BRCA1 gene, results from a duplication of G at nucleotide position 3044, causing a translational frameshift with a predicted alternate stop codon (p.N1016Kfs*2). This variant is considered to be rare based on population cohorts in the Genome Aggregation Database (gnomAD). This alteration is expected to result in loss of function by premature protein truncation or nonsense-mediated mRNA decay. As such, this alteration is interpreted as a disease-causing mutation.

Labcorp Genetics (formerly Invitae), Labcorp
Classification: Pathogenic for Hereditary breast ovarian cancer syndrome. Last evaluated: 2025-06-09. Review status: criteria provided, single submitter. Criteria: Invitae Variant Classification Sherloc (09022015). Collection method: clinical testing. Allele origin: germline. Not counted in ClinVar's aggregate classification.
Comment: This sequence change creates a premature translational stop signal (p.Asn1016Lysfs*2) in the BRCA1 gene. It is expected to result in an absent or disrupted protein product. Loss-of-function variants in BRCA1 are known to be pathogenic (PMID: 20104584). This variant is not present in population databases (gnomAD no frequency). This premature translational stop signal has been observed in individual(s) with breast and ovarian cancers (PMID: 31336956). ClinVar contains an entry for this variant (Variation ID: 125601). For these reasons, this variant has been classified as Pathogenic.

Baylor Genetics
Classification: Pathogenic for Breast-ovarian cancer, familial, susceptibility to, 1. Last evaluated: 2023-01-31. Review status: criteria provided, single submitter. Criteria: ACMG Guidelines, 2015. Collection method: clinical testing. Allele origin: unknown. Not counted in ClinVar's aggregate classification.

GeneDx
Classification: Pathogenic. Last evaluated: 2019-05-10. Review status: criteria provided, single submitter. Criteria: GeneDx Variant Classification Process June 2021. Collection method: clinical testing. Allele origin: germline. Affected: yes. Not counted in ClinVar's aggregate classification.
Comment: Not observed in large population cohorts (Lek et al., 2016); This variant is associated with the following publications: (PMID: 29446198, 28152038)

Department of Pathology and Laboratory Medicine, Sinai Health System
Classification: Pathogenic for Familial cancer of breast; Breast-ovarian cancer, familial, susceptibility to, 1; Fanconi anemia, complementation group S. Last evaluated: 2019-03-21. Review status: criteria provided, single submitter. Criteria: ACMG Guidelines, 2015. Collection method: clinical testing. Allele origin: germline. Affected: no. Not counted in ClinVar's aggregate classification.

Consortium of Investigators of Modifiers of BRCA1/2 (CIMBA), c/o University of Cambridge
Classification: Pathogenic for Breast-ovarian cancer, familial, susceptibility to, 1. Last evaluated: 2015-10-02. Review status: criteria provided, single submitter. Criteria: CIMBA Mutation Classification guidelines May 2016. Collection method: clinical testing. Allele origin: germline. Not counted in ClinVar's aggregate classification.

Breast Cancer Information Core (BIC) (BRCA1)
Classification: Pathogenic for Breast-ovarian cancer, familial 1. Last evaluated: 2004-11-25. Review status: no assertion criteria provided. Collection method: clinical testing. Allele origin: germline. Affected: yes. Observed: 1 variant allele. Not counted in ClinVar's aggregate classification.

Literature cited by the submitters: PubMed 29446198 (cited by Ambry Genetics and Department of Pathology and Laboratory Medicine, Sinai Health System); PubMed 20104584 (cited by Labcorp Genetics (formerly Invitae), Labcorp); PubMed 31336956 (cited by Labcorp Genetics (formerly Invitae), Labcorp).